The following is an entry in ClinVar:

ClinVar aggregate classification (germline): Benign/Likely benign. Review status: criteria provided, multiple submitters, no conflicts (2 of 4 stars). 4 submissions from 4 submitters: Benign (3); Likely benign (1). Last evaluated 2026-02-02.

Conditions:
Cerebroretinal microangiopathy with calcifications and cysts 2 (CRMCC2). Identifiers: MedGen C4479220, MONDO:0015026, OMIM 617341.

Allele frequency attached by ClinVar (database versions not stated): gnomAD 0.01832 and 0.01745; TOPMed 0.02067; gnomAD exomes 0.00262 and 0.00933; ESP Exome Variant Server 0.01569; 1000 Genomes Project 0.02117; 1000 Genomes Project 30x 0.02311; ExAC 0.00831.
gnomAD v4.1: 6,590 of 1,613,514 alleles (0.41%); highest among the groups gnomAD compares: African/African-American, 4.6%; 150 homozygotes.

Submissions (4):

Labcorp Genetics (formerly Invitae), Labcorp
Classification: Benign. Last evaluated: 2026-02-02. Review status: criteria provided, single submitter. Criteria: Invitae Variant Classification Sherloc (09022015). Collection method: clinical testing. Allele origin: germline.

Mayo Clinic Laboratories, Mayo Clinic
Classification: Benign. Last evaluated: 2024-01-08. Review status: criteria provided, single submitter. Criteria: ACMG Guidelines, 2015. Collection method: clinical testing. Allele origin: germline. Observed: 7 variant alleles.
Comment: BS1, BS2, BP4, BP7

Fulgent Genetics
Classification: Likely benign for Cerebroretinal microangiopathy with calcifications and cysts 2. Last evaluated: 2022-01-17. Review status: criteria provided, single submitter. Criteria: ACMG Guidelines, 2015. Collection method: clinical testing. Allele origin: unknown.

Breakthrough Genomics
Classification: Benign. Review status: criteria provided, single submitter. Criteria: ACMG Guidelines, 2015. Collection method: not provided. Allele origin: germline. Inheritance: Autosomal recessive inheritance. Affected: yes.

NM_024928.5(STN1):c.582-4G>A

Gene: STN1 (STN1 subunit of CST complex; minus strand). Cytogenetic location: 10q24.33.
Variant type: single nucleotide variant.
Coding change: c.582-4G>A on transcript NM_024928.5 (MANE Select); 4 bases into the intron before coding-DNA position 582, G replaced by A.
Molecular consequence: intron variant.
Genome position (GRCh38, 1-based): chr10:103,897,723, C>T on the plus strand (G>A on the coding strand, the complement: STN1 is on the minus strand). VCF-style: chr10-103897723-C-T. GRCh37 (hg19) VCF-style: chr10-105657481-C-T.
Other names: p.?.
Identifiers: ClinVar variation 768387 (VCV000768387.14), dbSNP rs7097097, ClinGen allele CA5676566.
Genomic context (GRCh38, chr10:103,897,723, plus strand): 5'-TTGGCTTTTTCACTCAGCAAACTCGTGAGACTGGGGAGGTCCAGGGCGCCTGGATTGCTG[C>T]GGAGGGAAAGTTTTAAAGAGCTCTGCAGAAAACCATCACCTTTGTTCCTTTTTGGTGTAT-3'